The following is an entry in ClinVar:

NM_020806.5(GPHN):c.1199C>A (p.Pro400His)

Gene: GPHN (gephyrin; plus strand). Cytogenetic location: 14q23.3.
Variant type: single nucleotide variant.
Coding change: c.1199C>A on transcript NM_020806.5 (MANE Select); coding-DNA position 1199, C replaced by A.
Protein change: p.Pro400His; replaces proline 400 with histidine.
Molecular consequence: missense variant.
Genome position (GRCh38, 1-based): chr14:67,089,037, C>A. VCF-style: chr14-67089037-C-A. GRCh37 (hg19) VCF-style: chr14-67555754-C-A.
Other names: c.1100C>A, p.Pro367His (NM_001024218.2); c.1259C>A, p.Pro420His (NM_001377514.1); c.1229C>A, p.Pro410His (NM_001377515.1); c.1220C>A, p.Pro407His (NM_001377516.1); c.1172C>A, p.Pro391His (NM_001377517.1); c.1157C>A, p.Pro386His (NM_001377518.1); c.1139C>A, p.Pro380His (NM_001377519.1); short protein forms P391H, P420H, P367H, P380H, P410H, P407H, P386H, P400H.
Identifiers: ClinVar variation 1354844 (VCV001354844.8), dbSNP rs1379719209, ClinGen allele CA390257271.

ClinVar aggregate classification (germline): Uncertain significance (1 of 4 stars; one submission).

Conditions:
Sulfite oxidase deficiency due to molybdenum cofactor deficiency type C. Also called: Molybdenum cofactor deficiency C; Molybdenum cofactor deficiency, complementation group C. Identifiers: Orphanet 308400, Orphanet 833, MedGen C1854990, MONDO:0014212, OMIM 615501.

Allele frequency attached by ClinVar (database versions not stated): gnomAD exomes below 0.00001; TOPMed below 0.00001; gnomAD 0.00001.
gnomAD v4.1: 7 of 1,604,434 alleles (0.00044%); highest among the groups gnomAD compares: Non-Finnish European, 0.0006%; no homozygotes.

Submission:

Labcorp Genetics (formerly Invitae), Labcorp
Classification: Uncertain significance for Sulfite oxidase deficiency due to molybdenum cofactor deficiency type C. Last evaluated: 2024-06-25. Review status: criteria provided, single submitter. Criteria: Invitae Variant Classification Sherloc (09022015). Collection method: clinical testing. Allele origin: germline.
Comment: This sequence change replaces proline, which is neutral and non-polar, with histidine, which is basic and polar, at codon 400 of the GPHN protein (p.Pro400His). This variant is present in population databases (no rsID available, gnomAD 0.0009%). This variant has not been reported in the literature in individuals affected with GPHN-related conditions. ClinVar contains an entry for this variant (Variation ID: 1354844). Advanced modeling of protein sequence and biophysical properties (such as structural, functional, and spatial information, amino acid conservation, physicochemical variation, residue mobility, and thermodynamic stability) performed at Invitae indicates that this missense variant is expected to disrupt GPHN protein function with a positive predictive value of 80%. In summary, the available evidence is currently insufficient to determine the role of this variant in disease. Therefore, it has been classified as a Variant of Uncertain Significance.